The following is an entry in ClinVar:

ClinVar aggregate classification (germline): Uncertain significance (1 of 4 stars; one submission).

Allele frequency attached by ClinVar (database versions not stated): gnomAD exomes below 0.00001; ExAC 0.00001.
gnomAD v4.1: 1 of 1,574,644 alleles (0.000064%); highest among the groups gnomAD compares: Non-Finnish European, 0.000086%; no homozygotes.

Submission:

GeneDx
Classification: Uncertain significance. Last evaluated: 2026-04-24. Review status: criteria provided, single submitter. Criteria: GeneDx Variant Classification Process June 2021. Collection method: clinical testing. Allele origin: germline.
Comment: Not observed at significant frequency in large population cohorts (gnomAD); In silico analysis supports that this missense variant has a deleterious effect on protein structure/function; In silico analysis additionally supports a deleterious effect on splicing; Has not been previously published as pathogenic or benign to our knowledge

NM_001273.5(CHD4):c.56A>G (p.Asp19Gly)

Gene: CHD4 (chromodomain helicase DNA binding protein 4; minus strand). Cytogenetic location: 12p13.31.
Variant type: single nucleotide variant.
Coding change: c.56A>G on transcript NM_001273.5 (MANE Select); coding-DNA position 56, A replaced by G.
Protein change: p.Asp19Gly; replaces aspartic acid 19 with glycine.
Molecular consequence: missense variant.
Genome position (GRCh38, 1-based): chr12:6,606,318, T>C on the plus strand (A>G on the coding strand, the complement: CHD4 is on the minus strand). VCF-style: chr12-6606318-T-C. GRCh37 (hg19) VCF-style: chr12-6715484-T-C.
Other names: c.56A>G, p.Asp19Gly (NM_001297553.2, NM_001363606.2); short protein forms D19G.
Identifiers: ClinVar variation 2578301 (VCV002578301.2), dbSNP rs774282876, ClinGen allele CA6412664.